The following is an entry in ClinVar:

ClinVar aggregate classification (germline): Uncertain significance. Review status: criteria provided, multiple submitters, no conflicts (2 of 4 stars). 2 submissions from 2 submitters: Uncertain significance (2). Last evaluated 2022-08-28.

Conditions:
ALG1-congenital disorder of glycosylation. Also called: CONGENITAL DISORDER OF GLYCOSYLATION, TYPE Ik; ALG1-CDG; CDG Ik. Identifiers: Orphanet 79327, MedGen C2931005, MONDO:0012052, OMIM 608540.

Allele frequency attached by ClinVar (database versions not stated): gnomAD exomes below 0.00001; gnomAD 0.00001.
gnomAD v4.1: 5 of 1,614,036 alleles (0.00031%); highest among the groups gnomAD compares: African/African-American, 0.004%; no homozygotes.

Submissions (2):

Labcorp Genetics (formerly Invitae), Labcorp
Classification: Uncertain significance for ALG1-congenital disorder of glycosylation. Last evaluated: 2022-08-28. Review status: criteria provided, single submitter. Criteria: Invitae Variant Classification Sherloc (09022015). Collection method: clinical testing. Allele origin: germline.
Comment: This sequence change replaces arginine, which is basic and polar, with glutamine, which is neutral and polar, at codon 99 of the ALG1 protein (p.Arg99Gln). This variant is present in population databases (no rsID available, gnomAD 0.003%). This variant has not been reported in the literature in individuals affected with ALG1-related conditions. ClinVar contains an entry for this variant (Variation ID: 1356787). Advanced modeling of protein sequence and biophysical properties (such as structural, functional, and spatial information, amino acid conservation, physicochemical variation, residue mobility, and thermodynamic stability) performed at Invitae indicates that this missense variant is not expected to disrupt ALG1 protein function. In summary, the available evidence is currently insufficient to determine the role of this variant in disease. Therefore, it has been classified as a Variant of Uncertain Significance.

Fulgent Genetics
Classification: Uncertain significance for ALG1-congenital disorder of glycosylation. Last evaluated: 2021-08-04. Review status: criteria provided, single submitter. Criteria: ACMG Guidelines, 2015. Collection method: clinical testing. Allele origin: unknown.

NM_019109.5(ALG1):c.296G>A (p.Arg99Gln)

Gene: ALG1 (ALG1 chitobiosyldiphosphodolichol beta-mannosyltransferase; plus strand). Cytogenetic location: 16p13.3.
Variant type: single nucleotide variant.
Coding change: c.296G>A on transcript NM_019109.5 (MANE Select); coding-DNA position 296, G replaced by A.
Protein change: p.Arg99Gln; replaces arginine 99 with glutamine.
Molecular consequence: missense variant. On other transcripts: 5 prime UTR variant (1).
Genome position (GRCh38, 1-based): chr16:5,073,162, G>A. VCF-style: chr16-5073162-G-A. GRCh37 (hg19) VCF-style: chr16-5123163-G-A.
Other names: c.-38G>A (NM_001330504.2); short protein forms R99Q.
Identifiers: ClinVar variation 1356787 (VCV001356787.6), dbSNP rs1349600746, ClinGen allele CA14323424.